The following is an entry in ClinVar:

NM_000138.5(FBN1):c.265T>G (p.Cys89Gly)

Gene: FBN1 (fibrillin 1; minus strand). Cytogenetic location: 15q21.1.
Variant type: single nucleotide variant.
Coding change: c.265T>G on transcript NM_000138.5 (MANE Select); coding-DNA position 265, T replaced by G.
Protein change: p.Cys89Gly; replaces cysteine 89 with glycine.
Molecular consequence: missense variant.
Genome position (GRCh38, 1-based): chr15:48,610,809, A>C on the plus strand (T>G on the coding strand, the complement: FBN1 is on the minus strand). VCF-style: chr15-48610809-A-C. GRCh37 (hg19) VCF-style: chr15-48903006-A-C.
Other names: c.265T>G, p.Cys89Gly (NM_001406716.1, NM_001406717.1); short protein forms C89G.
Identifiers: ClinVar variation 4635374 (VCV004635374.1).

ClinVar aggregate classification (germline): Likely pathogenic (1 of 4 stars; one submission).

Conditions:
Familial thoracic aortic aneurysm and aortic dissection (TAAD). Also called: Thoracic aortic aneurysms and dissections. Identifiers: Orphanet 91387, MedGen C4707243, MONDO:0019625.

Submission:

Ambry Genetics
Classification: Likely pathogenic for Familial thoracic aortic aneurysm and aortic dissection. Last evaluated: 2025-11-18. Review status: criteria provided, single submitter. Criteria: Ambry Variant Classification Scheme 2023. Collection method: clinical testing. Allele origin: germline.
Comment: The c.265T>G (p.C89G) alteration is located in exon 4 (coding exon 3) of the FBN1 gene. This alteration results from a T to G substitution at nucleotide position 265, causing the cysteine (C) at amino acid position 89 to be replaced by a glycine (G). This variant was not reported in population-based cohorts in the Genome Aggregation Database (gnomAD). Other variant(s) at the same codon, c.266G>A (p.C89Y), c.266G>T (p.C89F), c.266G>C (p.C89S), and c.267T>G (p.C89W) have been identified in individual(s) with features consistent with Marfan syndrome and related fibrillinopathies (Loeys, 2001; Pilop, 2009; Stheneur, 2009; Proost, 2015; Qin, 2019; Ambry internal data). This amino acid position is highly conserved in available vertebrate species. The majority of FBN1 mutations identified to date have involved the substitution or generation of cysteine residues within cbEGF domains (Vollbrandt, 2004). Internal structural analysis indicates this alteration eliminates a disulfide bond critical for the structural integrity of the EGF1 domain (Ambry internal data). This alteration is predicted to be deleterious by in silico analysis. Based on the available evidence, this alteration is classified as likely pathogenic.

Literature cited by the submitters: PubMed 11700157; PubMed 15161917; PubMed 19293843; PubMed 19720936; PubMed 25907466; PubMed 26621581; PubMed 31279624.